The following is an entry in ClinVar:

NM_004304.5(ALK):c.4222G>A (p.Glu1408Lys)

Gene: ALK (ALK receptor tyrosine kinase; minus strand). Cytogenetic location: 2p23.2.
Variant type: single nucleotide variant.
Coding change: c.4222G>A on transcript NM_004304.5 (MANE Select); coding-DNA position 4222, G replaced by A.
Protein change: p.Glu1408Lys; replaces glutamic acid 1408 with lysine.
Molecular consequence: missense variant.
Genome position (GRCh38, 1-based): chr2:29,193,865, C>T on the plus strand (G>A on the coding strand, the complement: ALK is on the minus strand). VCF-style: chr2-29193865-C-T. GRCh37 (hg19) VCF-style: chr2-29416731-C-T.
Other names: c.1018G>A, p.Glu340Lys (NM_001353765.2); c.4222G>A (NM_004304.4); short protein forms E340K, E1408K.
Identifiers: ClinVar variation 1445965 (VCV001445965.10), dbSNP rs145600484, ClinGen allele CA1593619.
Genomic context (GRCh38, chr2:29,193,865, plus strand): 5'-GAGAGACCAGGAGAGGAGGAACCCCCTCAGGGTCCTTGGGCCTCACAGGCACTTTCTCTT[C>T]CTCTTCCACAAGTGGACCATATTCTATCGGCAAAGCGGTGTTGATTACATCCGGGTCCTG-3'
Protein context (NP_004295.2, residues 1398-1418): PIEYGPLVEE[Glu1408Lys]EKVPVRPKDP

ClinVar aggregate classification (germline): Uncertain significance. Review status: criteria provided, multiple submitters, no conflicts (2 of 4 stars). 3 submissions from 3 submitters: Uncertain significance (3). Last evaluated 2025-09-10.

Conditions:
Neuroblastoma, susceptibility to, 3. Also called: ALK-Related Neuroblastic Tumor Susceptibility. Identifiers: Orphanet 635, MedGen C2751681, MONDO:0013083, OMIM 613014.
Hereditary cancer-predisposing syndrome. Also called: Tumor predisposition; Hereditary neoplastic syndrome; Hereditary Cancer Syndrome; Neoplastic Syndromes, Hereditary. Identifiers: Orphanet 140162, MedGen C0027672, MeSH D009386, MONDO:0015356.

Allele frequency attached by ClinVar (database versions not stated): gnomAD 0.00001; gnomAD exomes 0.00001; TOPMed 0.00001; ExAC 0.00002; ESP Exome Variant Server 0.00008.
gnomAD v4.1: 18 of 1,613,840 alleles (0.0011%); highest among the groups gnomAD compares: Non-Finnish European, 0.0015%; no homozygotes.

Submissions (3):

Labcorp Genetics (formerly Invitae), Labcorp
Classification: Uncertain significance for Neuroblastoma, susceptibility to, 3. Last evaluated: 2025-09-10. Review status: criteria provided, single submitter. Criteria: Invitae Variant Classification Sherloc (09022015). Collection method: clinical testing. Allele origin: germline.
Comment: This sequence change replaces glutamic acid, which is acidic and polar, with lysine, which is basic and polar, at codon 1408 of the ALK protein (p.Glu1408Lys). This variant is present in population databases (rs145600484, gnomAD 0.002%). This variant has not been reported in the literature in individuals affected with ALK-related conditions. ClinVar contains an entry for this variant (Variation ID: 1445965). An algorithm developed to predict the effect of missense changes on protein structure and function (PolyPhen-2) suggests that this variant is likely to be tolerated. In summary, the available evidence is currently insufficient to determine the role of this variant in disease. Therefore, it has been classified as a Variant of Uncertain Significance.

Ambry Genetics
Classification: Uncertain significance for Hereditary cancer-predisposing syndrome. Last evaluated: 2025-06-11. Review status: criteria provided, single submitter. Criteria: Ambry Variant Classification Scheme 2023. Collection method: clinical testing. Allele origin: germline.

GeneDx
Classification: Uncertain significance. Last evaluated: 2023-10-31. Review status: criteria provided, single submitter. Criteria: GeneDx Variant Classification Process June 2021. Collection method: clinical testing. Allele origin: germline. Affected: yes.
Comment: Not observed at significant frequency in large population cohorts (gnomAD); In silico analysis supports that this missense variant has a deleterious effect on protein structure/function; Has not been previously published as pathogenic or benign to our knowledge; This variant is associated with the following publications: (PMID: 23533265)